The following is an entry in ClinVar:

ClinVar aggregate classification (germline): Uncertain significance. Review status: criteria provided, multiple submitters, no conflicts (2 of 4 stars). 2 submissions from 2 submitters: Uncertain significance (2). Last evaluated 2025-06-10.

Conditions:
RYR1-related disorder. Also called: RYR1-related disorders; RYR1-related condition. Identifiers: MedGen CN239331.
Inborn genetic diseases. Identifiers: MedGen C0950123, MeSH D030342.

Submissions (2):

Ambry Genetics
Classification: Uncertain significance for Inborn genetic diseases. Last evaluated: 2025-06-10. Review status: criteria provided, single submitter. Criteria: Ambry Variant Classification Scheme 2023. Collection method: clinical testing. Allele origin: germline.

Labcorp Genetics (formerly Invitae), Labcorp
Classification: Uncertain significance for RYR1-related disorder. Last evaluated: 2018-06-25. Review status: criteria provided, single submitter. Criteria: Invitae Variant Classification Sherloc (09022015). Collection method: clinical testing. Allele origin: germline.
Comment: This sequence change replaces leucine with methionine at codon 3005 of the RYR1 protein (p.Leu3005Met). The leucine residue is highly conserved and there is a small physicochemical difference between leucine and methionine. This variant is not present in population databases (ExAC no frequency). This variant has not been reported in the literature in individuals with RYR1-related disease. Algorithms developed to predict the effect of missense changes on protein structure and function are either unavailable or do not agree on the potential impact of this missense change (SIFT: "Deleterious"; PolyPhen-2: "Benign"; Align-GVGD: "Class C0"). In summary, the available evidence is currently insufficient to determine the role of this variant in disease. Therefore, it has been classified as a Variant of Uncertain Significance.

NM_000540.3(RYR1):c.9013T>A (p.Leu3005Met)

Gene: RYR1 (ryanodine receptor 1; plus strand). Cytogenetic location: 19q13.2.
Variant type: single nucleotide variant.
Coding change: c.9013T>A on transcript NM_000540.3 (MANE Select); coding-DNA position 9013, T replaced by A.
Protein change: p.Leu3005Met; replaces leucine 3005 with methionine.
Molecular consequence: missense variant.
Genome position (GRCh38, 1-based): chr19:38,510,672, T>A. VCF-style: chr19-38510672-T-A. GRCh37 (hg19) VCF-style: chr19-39001312-T-A.
Other names: c.9013T>A, p.Leu3005Met (NM_001042723.2); short protein forms L3005M.
Identifiers: ClinVar variation 580215 (VCV000580215.9), dbSNP rs1568519242, ClinGen allele CA405683593.
Genomic context (GRCh38, chr19:38,510,672, plus strand): 5'-TCTCCCCACCCCTCATTGGACCCTTTATCTCCCCCAACCCGTCTCCAGATCCTGCTCCCT[T>A]TGATCAACCAGTACTTCACCAACCACTGCCTCTATTTCTTGTCCACTCCGGCTAAAGTGC-3'
Protein context (NP_000531.2, residues 2995-3015): IKFFAKILLP[Leu3005Met]INQYFTNHCL